The following is an entry in ClinVar:

NM_173500.4(TTBK2):c.3485G>A (p.Arg1162His)

Gene: TTBK2 (tau tubulin kinase 2; minus strand). Cytogenetic location: 15q15.2.
Variant type: single nucleotide variant.
Coding change: c.3485G>A on transcript NM_173500.4 (MANE Select); coding-DNA position 3485, G replaced by A.
Protein change: p.Arg1162His; replaces arginine 1162 with histidine.
Molecular consequence: missense variant.
Genome position (GRCh38, 1-based): chr15:42,746,045, C>T on the plus strand (G>A on the coding strand, the complement: TTBK2 is on the minus strand). VCF-style: chr15-42746045-C-T. GRCh37 (hg19) VCF-style: chr15-43038243-C-T.
Other names: short protein forms R1162H.
Identifiers: ClinVar variation 2958728 (VCV002958728.3), dbSNP rs200891264, ClinGen allele CA7516565.

ClinVar aggregate classification (germline): Uncertain significance (1 of 4 stars; one submission).

Allele frequency attached by ClinVar (database versions not stated): gnomAD exomes 0.00001; 1000 Genomes Project 30x 0.00016; 1000 Genomes Project 0.00020.
gnomAD v4.1: 20 of 1,614,018 alleles (0.0012%); highest among the groups gnomAD compares: East Asian, 0.013%; no homozygotes.

Submission:

Labcorp Genetics (formerly Invitae), Labcorp
Classification: Uncertain significance. Last evaluated: 2023-05-27. Review status: criteria provided, single submitter. Criteria: Invitae Variant Classification Sherloc (09022015). Collection method: clinical testing. Allele origin: germline.
Comment: In summary, the available evidence is currently insufficient to determine the role of this variant in disease. Therefore, it has been classified as a Variant of Uncertain Significance. An algorithm developed to predict the effect of missense changes on protein structure and function (PolyPhen-2) suggests that this variant is likely to be disruptive. This variant has not been reported in the literature in individuals affected with TTBK2-related conditions. This variant is present in population databases (rs200891264, gnomAD 0.005%). This sequence change replaces arginine, which is basic and polar, with histidine, which is basic and polar, at codon 1162 of the TTBK2 protein (p.Arg1162His).